The following is an entry in ClinVar:

NM_000245.4(MET):c.3632+3A>G

Gene: MET (MET proto-oncogene, receptor tyrosine kinase; plus strand). Cytogenetic location: 7q31.2.
Variant type: single nucleotide variant.
Coding change: c.3632+3A>G on transcript NM_000245.4 (MANE Select); 3 bases into the intron after coding-DNA position 3632, A replaced by G.
Molecular consequence: intron variant.
Genome position (GRCh38, 1-based): chr7:116,782,100, A>G. VCF-style: chr7-116782100-A-G. GRCh37 (hg19) VCF-style: chr7-116422154-A-G.
Other names: c.3686+3A>G (NM_001127500.3); c.2342+3A>G (NM_001324402.2).
Identifiers: ClinVar variation 5024332 (VCV005024332.1).

ClinVar aggregate classification (germline): Uncertain significance (1 of 4 stars; one submission).

Conditions:
Hereditary cancer-predisposing syndrome. Also called: Neoplastic Syndromes, Hereditary; Tumor predisposition; Hereditary neoplastic syndrome; Hereditary Cancer Syndrome. Identifiers: Orphanet 140162, MedGen C0027672, MeSH D009386, MONDO:0015356.

Submission:

Ambry Genetics
Classification: Uncertain significance for Hereditary cancer-predisposing syndrome. Last evaluated: 2026-06-30. Review status: criteria provided, single submitter. Criteria: Ambry Variant Classification Scheme 2023. Collection method: clinical testing. Allele origin: germline.
Comment: The c.3686+3A>G intronic variant results from an A to G substitution 3 nucleotides after coding exon 17 in the MET gene. This nucleotide position is well conserved in available vertebrate species. In silico splice site analysis predicts that this alteration will not have any significant effect on splicing. Based on the available evidence, the clinical significance of this variant remains unclear.